The following is an entry in ClinVar:

NM_017671.5(FERMT1):c.1944C>T (p.Gly648=)

Gene: FERMT1 (FERM domain containing kindlin 1; minus strand). Cytogenetic location: 20p12.3.
Variant type: single nucleotide variant.
Coding change: c.1944C>T on transcript NM_017671.5 (MANE Select); coding-DNA position 1944, C replaced by T.
Protein change: p.Gly648=; no amino-acid change (glycine 648 retained).
Molecular consequence: synonymous variant.
Genome position (GRCh38, 1-based): chr20:6,077,263, G>A on the plus strand (C>T on the coding strand, the complement: FERMT1 is on the minus strand). VCF-style: chr20-6077263-G-A. GRCh37 (hg19) VCF-style: chr20-6057910-G-A.
Identifiers: ClinVar variation 339205 (VCV000339205.15), dbSNP rs570732725, ClinGen allele CA9757994.
Genomic context (GRCh38, chr20:6,077,263, plus strand): 5'-CAAGTCCTCATCGAGTGTTTCATTCTGGTCCTTGGAGCGGGTGGACAAGAAAATGTAGCC[G>A]CCAATGTACTCGTGCACAATCTTGCAATCTGCACTCAGGCAGGTGAAAGCAGTAAAGACG-3'
Protein context (NP_060141.3, residues 638-658): ADCKIVHEYI[Gly648=]GYIFLSTRSK

ClinVar aggregate classification (germline): Conflicting classifications of pathogenicity. Review status: criteria provided, conflicting classifications (1 of 4 stars). 4 submissions from 4 submitters: Uncertain significance (1); Likely benign (2). 1 of the submissions does not count toward it. Last evaluated 2025-08-12.

Conditions:
FERMT1-related disorder. Also called: FERMT1-related condition.
Kindler syndrome (KNDLRS). Also called: BULLOUS ACROKERATOTIC POIKILODERMA OF KINDLER AND WEARY; Poikiloderma of Kindler; Congenital bullous poikiloderma; Kindler's syndrome; POIKILODERMA, CONGENITAL, WITH BULLAE, WEARY TYPE; POIKILODERMA, HEREDITARY ACROKERATOTIC. Identifiers: Orphanet 2908, Orphanet 306539, MedGen C0406557, MONDO:0008260, OMIM 173650.

Allele frequency attached by ClinVar (database versions not stated): gnomAD 0.00003 and 0.00005; ExAC 0.00011; TOPMed 0.00016; 1000 Genomes Project 30x 0.00062; 1000 Genomes Project 0.00080.
gnomAD v4.1: 49 of 1,614,160 alleles (0.003%); highest among the groups gnomAD compares: East Asian, 0.087%; no homozygotes.

Submissions (4):

Labcorp Genetics (formerly Invitae), Labcorp
Classification: Likely benign. Last evaluated: 2025-08-12. Review status: criteria provided, single submitter. Criteria: Invitae Variant Classification Sherloc (09022015). Collection method: clinical testing. Allele origin: germline.

Blueprint Genetics
Classification: Likely benign. Last evaluated: 2024-08-22. Review status: criteria provided, single submitter. Criteria: ACMG Guidelines, 2015. Collection method: clinical testing. Allele origin: germline.

Illumina Laboratory Services, Illumina
Classification: Uncertain significance for Kindler syndrome. Last evaluated: 2018-01-13. Review status: criteria provided, single submitter. Criteria: ICSL Variant Classification Criteria 13 December 2019. Collection method: clinical testing. Allele origin: germline.

PreventionGenetics, part of Exact Sciences
Classification: Likely benign for FERMT1-related condition. Last evaluated: 2019-07-16. Review status: no assertion criteria provided. Collection method: clinical testing. Allele origin: germline. Not counted in ClinVar's aggregate classification.
Comment: This variant is classified as likely benign based on ACMG/AMP sequence variant interpretation guidelines (Richards et al. 2015 PMID: 25741868, with internal and published modifications).